The following is an entry in ClinVar:

ClinVar aggregate classification (germline): Likely pathogenic (1 of 4 stars; one submission).

Conditions:
Dilated cardiomyopathy 1G (CMD1G). Identifiers: Orphanet 154, MedGen C1858763, MONDO:0011400, OMIM 604145.
Autosomal recessive limb-girdle muscular dystrophy type 2J (LGMDR10). Also called: Limb-girdle muscular dystrophy, type 2J; MUSCULAR DYSTROPHY, LIMB-GIRDLE, AUTOSOMAL RECESSIVE 10. Identifiers: Orphanet 140922, MedGen C1837342, MONDO:0012127, OMIM 608807.

Submission:

Labcorp Genetics (formerly Invitae), Labcorp
Classification: Likely pathogenic for Dilated cardiomyopathy 1G; Autosomal recessive limb-girdle muscular dystrophy type 2J. Last evaluated: 2023-09-10. Review status: criteria provided, single submitter. Criteria: Invitae Variant Classification Sherloc (09022015). Collection method: clinical testing. Allele origin: germline.
Comment: This variant has not been reported in the literature in individuals affected with TTN-related conditions. This variant is not present in population databases (gnomAD no frequency). This sequence change creates a premature translational stop signal (p.Lys28203*) in the TTN gene. While this is not anticipated to result in nonsense mediated decay, it is expected to create a truncated TTN protein. This variant is located in the A band of TTN (PMID: 25589632). Truncating variants in this region are significantly overrepresented in patients affected with dilated cardiomyopathy (PMID: 25589632). Truncating variants in this region have also been reported in individuals affected with autosomal recessive centronuclear myopathy (PMID: 23975875). In summary, the currently available evidence indicates that the variant is pathogenic, but additional data are needed to prove that conclusively. Therefore, this variant has been classified as Likely Pathogenic.

Literature cited by the submitters: PubMed 25589632; PubMed 23975875.

NM_001267550.2(TTN):c.84607A>T (p.Lys28203Ter)

Genes: TTN-AS1 (TTN antisense RNA 1; plus strand), TTN (titin; minus strand). Cytogenetic location: 2q31.2.
Variant type: single nucleotide variant.
Coding change: c.84607A>T on transcript NM_001267550.2 (MANE Select); coding-DNA position 84607, A replaced by T.
Protein change: p.Lys28203Ter; replaces lysine 28203 with a stop codon.
Molecular consequence: nonsense.
Genome position (GRCh38, 1-based): chr2:178,561,525, T>A on the plus strand (A>T on the coding strand, the complement: TTN is on the minus strand). VCF-style: chr2-178561525-T-A. GRCh37 (hg19) VCF-style: chr2-179426252-T-A.
Other names: c.79684A>T, p.Lys26562Ter (NM_001256850.1); c.57412A>T, p.Lys19138Ter (NM_003319.4); c.76903A>T, p.Lys25635Ter (NM_133378.4); c.57787A>T, p.Lys19263Ter (NM_133432.3); c.57988A>T, p.Lys19330Ter (NM_133437.4); short protein forms K19138*, K19263*, K19330*, K25635*, K26562*, K28203*.
Identifiers: ClinVar variation 2951797 (VCV002951797.3), dbSNP rs2469695739, ClinGen allele CA349559068.